The following is an entry in ClinVar:

NM_001366145.2(TRPM3):c.1186A>T (p.Thr396Ser)

Gene: TRPM3 (transient receptor potential cation channel subfamily M member 3; minus strand). Cytogenetic location: 9q21.12.
Variant type: single nucleotide variant.
Coding change: c.1186A>T on transcript NM_001366145.2 (MANE Select); coding-DNA position 1186, A replaced by T.
Protein change: p.Thr396Ser; replaces threonine 396 with serine.
Molecular consequence: missense variant.
Genome position (GRCh38, 1-based): chr9:70,761,687, T>A on the plus strand (A>T on the coding strand, the complement: TRPM3 is on the minus strand). VCF-style: chr9-70761687-T-A. GRCh37 (hg19) VCF-style: chr9-73376603-T-A.
Other names: c.1186A>T, p.Thr396Ser (NM_001007471.4, NM_001366146.2, NM_001366149.2 and 2 more transcripts); c.1192A>T, p.Thr398Ser (NM_001366141.2, NM_001366142.2, NM_001366143.2); c.1261A>T, p.Thr421Ser (NM_001366147.2, NM_001366148.2, NM_001366152.2); c.727A>T, p.Thr243Ser (NM_001366154.2, NM_020952.6, NM_024971.7 and 2 more transcripts); c.802A>T, p.Thr268Ser (NM_206946.5, NM_206947.5); short protein forms T243S, T268S, T396S, T398S, T421S.
Identifiers: ClinVar variation 3376043 (VCV003376043.1).
Genomic context (GRCh38, chr9:70,761,687, plus strand): 5'-TGAGGATGATGAACAGATGCTGAGCTTGGGTTCGAGTGTATGTGAAAGTCTTCTGTATAG[T>A]CACCAACAGCTGGTCCCTCAAAGATTCATTTATCAGTCTGCAAGTAAAAACAATGTCAAA-3'
Protein context (NP_001353074.1, residues 386-406): NESLRDQLLV[Thr396Ser]IQKTFTYTRT

ClinVar aggregate classification (germline): Uncertain significance (1 of 4 stars; one submission).

Submission:

GeneDx
Classification: Uncertain significance. Last evaluated: 2024-05-07. Review status: criteria provided, single submitter. Criteria: GeneDx Variant Classification Process June 2021. Collection method: clinical testing. Allele origin: germline. Affected: yes.
Comment: Not observed at significant frequency in large population cohorts (gnomAD); In silico analysis supports that this missense variant has a deleterious effect on protein structure/function; Has not been previously published as pathogenic or benign to our knowledge